The following is an entry in ClinVar:

ClinVar aggregate classification (germline): Uncertain significance (1 of 4 stars; one submission).

Allele frequency attached by ClinVar (database versions not stated): gnomAD 0.00001.
gnomAD v4.1: 5 of 1,614,010 alleles (0.00031%); highest among the groups gnomAD compares: African/African-American, 0.0013%; no homozygotes.

Submission:

GeneDx
Classification: Uncertain significance. Last evaluated: 2019-05-24. Review status: criteria provided, single submitter. Criteria: GeneDx Variant Classification Process June 2021. Collection method: clinical testing. Allele origin: germline. Affected: yes.
Comment: Has not been previously published as pathogenic or benign to our knowledge; In silico analysis, which includes protein predictors and evolutionary conservation, supports a deleterious effect

NM_004431.5(EPHA2):c.2113C>T (p.Arg705Trp)

Gene: EPHA2 (EPH receptor A2; minus strand). Cytogenetic location: 1p36.13.
Variant type: single nucleotide variant.
Coding change: c.2113C>T on transcript NM_004431.5 (MANE Select); coding-DNA position 2113, C replaced by T.
Protein change: p.Arg705Trp; replaces arginine 705 with tryptophan.
Molecular consequence: missense variant.
Genome position (GRCh38, 1-based): chr1:16,132,380, G>A on the plus strand (C>T on the coding strand, the complement: EPHA2 is on the minus strand). VCF-style: chr1-16132380-G-A. GRCh37 (hg19) VCF-style: chr1-16458875-G-A.
Other names: c.1951C>T, p.Arg651Trp (NM_001329090.2); short protein forms R651W, R705W.
Identifiers: ClinVar variation 1302673 (VCV001302673.2), dbSNP rs768514997, ClinGen allele CA338623026.
Genomic context (GRCh38, chr1:16,132,380, plus strand): 5'-AGGCCAGCCCCGGGCTCAATGGCCAGGCATCCCCGCCCCCTACAACCCACATCCTTACCC[G>A]AAGGAACTTGTCCAGGGCCCCATTCTCCATGTACTCAGTGATGATCATCATGGGCTTGTC-3'
Protein context (NP_004422.2, residues 695-715): MENGALDKFL[Arg705Trp]EKDGEFSVLQ